The following is an entry in ClinVar:

ClinVar aggregate classification (germline): Pathogenic (1 of 4 stars; one submission).

Conditions:
Citrin deficiency. Identifiers: Orphanet 247582, MedGen C1997910, MONDO:0016602.

Submission:

Labcorp Genetics (formerly Invitae), Labcorp
Classification: Pathogenic for Citrin deficiency. Last evaluated: 2022-01-23. Review status: criteria provided, single submitter. Criteria: Invitae Variant Classification Sherloc (09022015). Collection method: clinical testing. Allele origin: germline.
Comment: This sequence change creates a premature translational stop signal (p.Ala294Glyfs*6) in the SLC25A13 gene. It is expected to result in an absent or disrupted protein product. Loss-of-function variants in SLC25A13 are known to be pathogenic (PMID: 10369257, 14680984, 27405544). For these reasons, this variant has been classified as Pathogenic. This variant has not been reported in the literature in individuals affected with SLC25A13-related conditions. This variant is not present in population databases (gnomAD no frequency).

Literature cited by the submitters: PubMed 10369257; PubMed 14680984; PubMed 27405544.

NM_014251.3(SLC25A13):c.881_894del (p.Ala294fs)

Gene: SLC25A13 (solute carrier family 25 member 13; minus strand). Cytogenetic location: 7q21.3.
Variant type: Deletion.
Coding change: c.881_894del on transcript NM_014251.3 (MANE Select); coding-DNA positions 881 to 894, 14 bases deleted (CTCCTCTGGAAGAG).
Protein change: p.Ala294fs; shifts the reading frame from alanine 294.
Molecular consequence: frameshift variant. On other transcripts: non-coding transcript variant (1).
Genome position (GRCh38, 1-based): chr7:96,189,333-96,189,346, CTCTTCCAGAGGAG deleted on the plus strand (CTCCTCTGGAAGAG on the coding strand, the reverse complement: SLC25A13 is on the minus strand); deleting any 14 consecutive bases within chr7:96,189,333-96,189,347 gives the same sequence; the c. name uses the placement nearest the transcript's 3' end. VCF-style (leftmost placement, unchanged base first): chr7-96189332-CCTCTTCCAGAGGAG-C. GRCh37 (hg19) VCF-style: chr7-95818644-CCTCTTCCAGAGGAG-C.
Other names: c.881_894del, p.Ala294fs (NM_001160210.2); short protein forms A294fs.
Identifiers: ClinVar variation 2089217 (VCV002089217.4), dbSNP rs2485819162, ClinGen allele CA2580077908.
Genomic context (GRCh38, chr7:96,189,332, plus strand): 5'-AAGTTTGCTCCTCTTTGCTCACCTGCCTCTGGGCCTCAGCCAAGTTAAAGGGCAGAGTTC[CCTCTTCCAGAGGAG>C]CAATCCGTTCAATGTCTGCTAAGGTCATACGTCTGTAGGGGAAAAACAAACACAAGCAAC-3'